The following is an entry in ClinVar:

ClinVar aggregate classification (germline): Uncertain significance (1 of 4 stars; one submission).

Conditions:
Hereditary cancer-predisposing syndrome. Also called: Neoplastic Syndromes, Hereditary; Tumor predisposition; Hereditary Cancer Syndrome; Hereditary neoplastic syndrome. Identifiers: Orphanet 140162, MedGen C0027672, MeSH D009386, MONDO:0015356.

Submission:

Ambry Genetics
Classification: Uncertain significance for Hereditary cancer-predisposing syndrome. Last evaluated: 2021-03-23. Review status: criteria provided, single submitter. Criteria: Ambry Variant Classification Scheme 2023. Collection method: clinical testing. Allele origin: germline.
Comment: The p.K119N variant (also known as c.357A>T), located in coding exon 2 of the CHEK2 gene, results from an A to T substitution at nucleotide position 357. The lysine at codon 119 is replaced by asparagine, an amino acid with similar properties. This amino acid position is not well conserved in available vertebrate species. In addition, this alteration is predicted to be tolerated by in silico analysis. Since supporting evidence is limited at this time, the clinical significance of this alteration remains unclear.

NM_007194.4(CHEK2):c.357A>T (p.Lys119Asn)

Gene: CHEK2 (checkpoint kinase 2; minus strand). Cytogenetic location: 22q12.1.
Variant type: single nucleotide variant.
Coding change: c.357A>T on transcript NM_007194.4 (MANE Select); coding-DNA position 357, A replaced by T.
Protein change: p.Lys119Asn; replaces lysine 119 with asparagine.
Molecular consequence: missense variant.
Genome position (GRCh38, 1-based): chr22:28,725,330, T>A on the plus strand (A>T on the coding strand, the complement: CHEK2 is on the minus strand). VCF-style: chr22-28725330-T-A. GRCh37 (hg19) VCF-style: chr22-29121318-T-A.
Other names: c.486A>T, p.Lys162Asn (NM_001005735.3); c.-421A>T (NM_001257387.3); c.357A>T, p.Lys119Asn (NM_001349956.3, NM_145862.3); short protein forms K119N, K162N.
Identifiers: ClinVar variation 1732859 (VCV001732859.2), dbSNP rs2146070741, ClinGen allele CA411108167.